The following is an entry in ClinVar:

NM_004618.5(TOP3A):c.2228C>G (p.Thr743Ser)

Gene: TOP3A (DNA topoisomerase III alpha; minus strand). Cytogenetic location: 17p11.2.
Variant type: single nucleotide variant.
Coding change: c.2228C>G on transcript NM_004618.5 (MANE Select); coding-DNA position 2228, C replaced by G.
Protein change: p.Thr743Ser; replaces threonine 743 with serine.
Molecular consequence: missense variant.
Genome position (GRCh38, 1-based): chr17:18,278,274, G>C on the plus strand (C>G on the coding strand, the complement: TOP3A is on the minus strand). VCF-style: chr17-18278274-G-C. GRCh37 (hg19) VCF-style: chr17-18181588-G-C.
Other names: c.1943C>G, p.Thr648Ser (NM_001320759.2); c.2228C>G (NM_004618.3); short protein forms T648S, T743S.
Identifiers: ClinVar variation 1805523 (VCV001805523.4), dbSNP rs143277175, ClinGen allele CA8429647.

ClinVar aggregate classification (germline): Uncertain significance. Review status: criteria provided, multiple submitters, no conflicts (2 of 4 stars). 3 submissions from 3 submitters: Uncertain significance (3). Last evaluated 2025-04-01.

Conditions:
Microcephaly, growth restriction, and increased sister chromatid exchange 2. Identifiers: MedGen C4748176, MONDO:0020628, OMIM 618097.
Inborn genetic diseases. Identifiers: MedGen C0950123, MeSH D030342.

Allele frequency attached by ClinVar (database versions not stated): ExAC 0.00010; gnomAD 0.00021; TOPMed 0.00019; ESP Exome Variant Server 0.00031.
gnomAD v4.1: 484 of 1,539,086 alleles (0.031%); highest among the groups gnomAD compares: Non-Finnish European, 0.039%; 1 homozygote.

Submissions (3):

Ambry Genetics
Classification: Uncertain significance for Inborn genetic diseases. Last evaluated: 2025-04-01. Review status: criteria provided, single submitter. Criteria: Ambry Variant Classification Scheme 2023. Collection method: clinical testing. Allele origin: germline.

Labcorp Genetics (formerly Invitae), Labcorp
Classification: Uncertain significance. Last evaluated: 2022-08-06. Review status: criteria provided, single submitter. Criteria: Invitae Variant Classification Sherloc (09022015). Collection method: clinical testing. Allele origin: germline.
Comment: This sequence change replaces threonine, which is neutral and polar, with serine, which is neutral and polar, at codon 743 of the TOP3A protein (p.Thr743Ser). This variant is present in population databases (rs143277175, gnomAD 0.02%). This variant has not been reported in the literature in individuals affected with TOP3A-related conditions. Algorithms developed to predict the effect of missense changes on protein structure and function are either unavailable or do not agree on the potential impact of this missense change (SIFT: "Not Available"; PolyPhen-2: "Benign"; Align-GVGD: "Not Available"). In summary, the available evidence is currently insufficient to determine the role of this variant in disease. Therefore, it has been classified as a Variant of Uncertain Significance.

Victorian Clinical Genetics Services, Murdoch Childrens Research Institute
Classification: Uncertain significance for Microcephaly, growth restriction, and increased sister chromatid exchange 2. Last evaluated: 2019-08-28. Review status: criteria provided, single submitter. Criteria: ACMG Guidelines, 2015. Collection method: clinical testing. Allele origin: germline. Inheritance: Autosomal recessive inheritance. Affected: yes.
Comment: A heterozygous missense variant was identified, NM_004618.4(TOP3A):c.2228C>G in exon 18 of 19 of the TOP3A gene. This substitution is predicted to create a minor amino acid change from threonine to serine at position 743 of the protein, NP_004609.1(TOP3A):p.Thr743Ser. The threonine at this position has low conservation (100 vertebrates, UCSC) and is not situated in a known functional domain. In silico software predictions of the pathogenicity of this variant are conflicting (PolyPhen, SIFT, CADD, MutationTaster). The variant is present in the gnomAD population database at a frequency of 0.01% (25 heterozygotes, 0 homozygotes). The variant has not previously been reported in clinical cases. Based on information available at the time of curation, this variant has been classified as a VARIANT of UNCERTAIN SIGNIFICANCE (VUS) with LOW CLINICAL RELEVANCE.